The following is an entry in ClinVar:

NM_000459.5(TEK):c.2206C>T (p.Gln736Ter)

Gene: TEK (TEK receptor tyrosine kinase; plus strand). Cytogenetic location: 9p21.2.
Variant type: single nucleotide variant.
Coding change: c.2206C>T on transcript NM_000459.5 (MANE Select); coding-DNA position 2206, C replaced by T.
Protein change: p.Gln736Ter; replaces glutamine 736 with a stop codon.
Molecular consequence: nonsense.
Genome position (GRCh38, 1-based): chr9:27,203,116, C>T. VCF-style: chr9-27203116-C-T. GRCh37 (hg19) VCF-style: chr9-27203114-C-T.
Other names: c.2077C>T, p.Gln693Ter (NM_001290077.2, NM_001375476.1); c.1765C>T, p.Gln589Ter (NM_001290078.2); c.2206C>T, p.Gln736Ter (NM_001375475.1); short protein forms Q736*, Q589*, Q693*.
Identifiers: ClinVar variation 5007437 (VCV005007437.2).

ClinVar aggregate classification (germline): Likely pathogenic (1 of 4 stars; one submission).

Conditions:
Glaucoma 3, primary congenital, E (GLC3E). Identifiers: MedGen C4310639, MONDO:0014998, OMIM 617272.

Submission:

Juno Genomics, Hangzhou Juno Genomics, Inc
Classification: Likely pathogenic for Glaucoma 3, primary congenital, E. Review status: criteria provided, single submitter. Criteria: ACMG Guidelines, 2015. Collection method: clinical testing. Allele origin: germline.
Comment: Null variant in a gene where loss of function (LOF) is a known mechanism of disease.;Absent from controls (or at extremely low frequency if recessive) in Genome Aggregation Database.